The following is an entry in ClinVar:

ClinVar aggregate classification (germline): Uncertain significance. Review status: criteria provided, multiple submitters, no conflicts (2 of 4 stars). 2 submissions from 2 submitters: Uncertain significance (2). Last evaluated 2024-04-16.

Conditions:
FREM2-related disorder. Also called: FREM2-related condition.
Fraser syndrome 2 (FRASRS2). Identifiers: MedGen C4540036, MONDO:0054738, OMIM 617666.
Isolated cryptophthalmia. Also called: Cryptophthalmos, unilateral or bilateral, isolated; ANKYLOBLEPHARON, SIMPLE. Identifiers: Orphanet 91396, MedGen C1852453, MONDO:0007410, OMIM 123570.

Submissions (2):

Fulgent Genetics
Classification: Uncertain significance for Isolated cryptophthalmia; Fraser syndrome 2. Last evaluated: 2024-04-16. Review status: criteria provided, single submitter. Criteria: ACMG Guidelines, 2015. Collection method: clinical testing. Allele origin: germline.

Daryl Scott Lab, Baylor College of Medicine
Classification: Uncertain significance for FREM2-related disorder. Last evaluated: 2024-01-01. Review status: criteria provided, single submitter. Criteria: ACMG Guidelines, 2015. Collection method: clinical testing. Allele origin: unknown. Observed: 1 heterozygote.
Comment: PM2, PP3

NM_207361.6(FREM2):c.8855T>C (p.Ile2952Thr)

Gene: FREM2 (FRAS1 related extracellular matrix 2; plus strand). Cytogenetic location: 13q13.3.
Variant type: single nucleotide variant.
Coding change: c.8855T>C on transcript NM_207361.6 (MANE Select); coding-DNA position 8855, T replaced by C.
Protein change: p.Ile2952Thr; replaces isoleucine 2952 with threonine.
Molecular consequence: missense variant.
Genome position (GRCh38, 1-based): chr13:38,878,317, T>C. VCF-style: chr13-38878317-T-C. GRCh37 (hg19) VCF-style: chr13-39452454-T-C.
Other names: short protein forms I2952T.
Identifiers: ClinVar variation 3576229 (VCV003576229.2), dbSNP rs370252377.
Genomic context (GRCh38, chr13:38,878,317, plus strand): 5'-CAATGAATGCAGAATATGGCTGCTTAGCCGACTCTCCTTCACTCTTATATAGATTTAAAA[T>C]TGTGGTAAGTGCTTTGACCCAAAAAATGAGCTAGATAGATTTTTCAAAGTTCAGCCTCCT-3'
Protein context (NP_997244.4, residues 2942-2962): DSPSLLYRFK[Ile2952Thr]VDKAQPETQA